The following is an entry in ClinVar:

NM_000059.4(BRCA2):c.4472T>C (p.Leu1491Pro)

Gene: BRCA2 (BRCA2 DNA repair associated; plus strand). Cytogenetic location: 13q13.1.
Variant type: single nucleotide variant.
Coding change: c.4472T>C on transcript NM_000059.4 (MANE Select); coding-DNA position 4472, T replaced by C.
Protein change: p.Leu1491Pro; replaces leucine 1491 with proline.
Molecular consequence: missense variant.
Genome position (GRCh38, 1-based): chr13:32,338,827, T>C. VCF-style: chr13-32338827-T-C. GRCh37 (hg19) VCF-style: chr13-32912964-T-C.
Other names: short protein forms L1491P.
Identifiers: ClinVar variation 462339 (VCV000462339.16), dbSNP rs1555283798, ClinGen allele CA387781465.
Genomic context (GRCh38, chr13:32,338,827, plus strand): 5'-GAAAGAACAAAATGGACATTCTAAGTTATGAGGAAACAGACATAGTTAAACACAAAATAC[T>C]GAAAGAAAGTGTCCCAGTTGGTACTGGAAATCAACTAGTGACCTTCCAGGGACAACCCGA-3'
Protein context (NP_000050.3, residues 1481-1501): EETDIVKHKI[Leu1491Pro]KESVPVGTGN

ClinVar aggregate classification (germline): Conflicting classifications of pathogenicity. Review status: criteria provided, conflicting classifications (1 of 4 stars). 5 submissions from 5 submitters: Uncertain significance (4); Likely benign (1). Last evaluated 2024-08-01.

Conditions:
Hereditary breast ovarian cancer syndrome. Also called: BRCA1- and BRCA2-Associated Hereditary Breast and Ovarian Cancer; Hereditary breast and ovarian cancer syndrome; Hereditary breast and/or ovarian cancer syndrome; Hereditary breast and ovarian cancer syndrome (HBOC); Hereditary breast and ovarian cancer; Breast and ovarian cancer. Identifiers: Orphanet 145, MedGen C0677776, MeSH D061325, MONDO:0003582. Disease mechanism: loss of function.
Hereditary cancer-predisposing syndrome. Also called: Hereditary neoplastic syndrome; Neoplastic Syndromes, Hereditary; Hereditary Cancer Syndrome; Tumor predisposition. Identifiers: Orphanet 140162, MedGen C0027672, MeSH D009386, MONDO:0015356.

Allele frequency attached by ClinVar (database versions not stated): gnomAD exomes below 0.00001.
gnomAD v4.1: 1 of 1,613,724 alleles (0.000062%); highest among the groups gnomAD compares: Non-Finnish European, 0.000085%; no homozygotes.

Submissions (5):

Ambry Genetics
Classification: Uncertain significance for Hereditary cancer-predisposing syndrome. Last evaluated: 2024-08-01. Review status: criteria provided, single submitter. Criteria: Ambry Variant Classification Scheme 2023. Collection method: clinical testing. Allele origin: germline.
Comment: The p.L1491P variant (also known as c.4472T>C), located in coding exon 10 of the BRCA2 gene, results from a T to C substitution at nucleotide position 4472. The leucine at codon 1491 is replaced by proline, an amino acid with similar properties. This amino acid position is not well conserved in available vertebrate species. In addition, this alteration is predicted to be tolerated by in silico analysis. Since supporting evidence is limited at this time, the clinical significance of this alteration remains unclear.

Labcorp Genetics (formerly Invitae), Labcorp
Classification: Uncertain significance for Hereditary breast ovarian cancer syndrome. Last evaluated: 2023-07-17. Review status: criteria provided, single submitter. Criteria: Invitae Variant Classification Sherloc (09022015). Collection method: clinical testing. Allele origin: germline.
Comment: In summary, the available evidence is currently insufficient to determine the role of this variant in disease. Therefore, it has been classified as a Variant of Uncertain Significance. Advanced modeling of protein sequence and biophysical properties (such as structural, functional, and spatial information, amino acid conservation, physicochemical variation, residue mobility, and thermodynamic stability) performed at Invitae indicates that this missense variant is not expected to disrupt BRCA2 protein function. ClinVar contains an entry for this variant (Variation ID: 462339). This variant has not been reported in the literature in individuals affected with BRCA2-related conditions. This variant is not present in population databases (gnomAD no frequency). This sequence change replaces leucine, which is neutral and non-polar, with proline, which is neutral and non-polar, at codon 1491 of the BRCA2 protein (p.Leu1491Pro).

University of Washington Department of Laboratory Medicine, University of Washington
Classification: Likely benign for Hereditary cancer-predisposing syndrome. Last evaluated: 2023-03-23. Review status: criteria provided, single submitter. Criteria: Dines et al. (Genet Med. 2020). Collection method: curation. Allele origin: germline.
Comment: Missense variant in a coldspot region where missense variants are very unlikely to be pathogenic (PMID:31911673).

BRCA2 exon 11 coldspot. Reclassification based on statistical prior probability.

GeneDx
Classification: Uncertain significance. Last evaluated: 2022-01-03. Review status: criteria provided, single submitter. Criteria: GeneDx Variant Classification Process June 2021. Collection method: clinical testing. Allele origin: germline. Affected: yes.
Comment: Not observed at significant frequency in large population cohorts (Lek et al., 2016); In silico analysis supports that this missense variant has a deleterious effect on protein structure/function; Has not been previously published as pathogenic or benign to our knowledge; Also known as 4700T>C

Blueprint Genetics
Classification: Uncertain significance. Last evaluated: 2021-03-08. Review status: criteria provided, single submitter. Criteria: ACMG Guidelines, 2015. Collection method: clinical testing. Allele origin: germline.